The following is an entry in ClinVar:

ClinVar aggregate classification (germline): Uncertain significance (1 of 4 stars; one submission).

Conditions:
Charcot-Marie-Tooth disease type 4. Also called: Charcot-Marie-Tooth, Type 4; Charcot-Marie-Tooth disease, type IV. Identifiers: Orphanet 64749, MedGen C4082197, MONDO:0018995.

Allele frequency attached by ClinVar (database versions not stated): gnomAD exomes below 0.00001.
gnomAD v4.1: 1 of 1,614,160 alleles (0.000062%); highest among the groups gnomAD compares: Non-Finnish European, 0.000085%; no homozygotes.

Submission:

Labcorp Genetics (formerly Invitae), Labcorp
Classification: Uncertain significance for Charcot-Marie-Tooth disease type 4. Last evaluated: 2021-10-01. Review status: criteria provided, single submitter. Criteria: Invitae Variant Classification Sherloc (09022015). Collection method: clinical testing. Allele origin: germline.
Comment: This missense change has been observed in individual(s) with clinical features of Charcot-Marie-Tooth disease (Invitae). In at least one individual the data is consistent with the variant being in trans (on the opposite chromosome) from a pathogenic variant. In summary, the available evidence is currently insufficient to determine the role of this variant in disease. Therefore, it has been classified as a Variant of Uncertain Significance. Algorithms developed to predict the effect of missense changes on protein structure and function are either unavailable or do not agree on the potential impact of this missense change (SIFT: "Deleterious"; PolyPhen-2: "Possibly Damaging"; Align-GVGD: "Class C15"). This variant is not present in population databases (ExAC no frequency). This sequence change replaces alanine with valine at codon 927 of the SH3TC2 protein (p.Ala927Val). The alanine residue is moderately conserved and there is a small physicochemical difference between alanine and valine.

NM_024577.4(SH3TC2):c.2780C>T (p.Ala927Val)

Gene: SH3TC2 (SH3 domain and tetratricopeptide repeats 2; minus strand). Cytogenetic location: 5q32.
Variant type: single nucleotide variant.
Coding change: c.2780C>T on transcript NM_024577.4 (MANE Select); coding-DNA position 2780, C replaced by T.
Protein change: p.Ala927Val; replaces alanine 927 with valine.
Molecular consequence: missense variant.
Genome position (GRCh38, 1-based): chr5:149,026,952, G>A on the plus strand (C>T on the coding strand, the complement: SH3TC2 is on the minus strand). VCF-style: chr5-149026952-G-A. GRCh37 (hg19) VCF-style: chr5-148406515-G-A.
Other names: short protein forms A927V.
Identifiers: ClinVar variation 1003160 (VCV001003160.6), dbSNP rs1754076016, ClinGen allele CA361665638.